The following is an entry in ClinVar:

ClinVar aggregate classification (germline): Uncertain significance. Review status: criteria provided, multiple submitters, no conflicts (2 of 4 stars). 3 submissions from 3 submitters: Uncertain significance (2). 1 of the submissions does not count toward it. Last evaluated 2022-03-28.

Conditions:
Mucolipidosis type II. Also called: Mucolipidosis 2; ML 2; Inclusion cell disease; Leroy Disease; N-acetylglucosamine 1phosphotransferase deficiency; ML disorder type 2. Identifiers: Orphanet 576, MedGen C2673377, MONDO:0009650, OMIM 252500.
Pseudo-Hurler polydystrophy. Also called: ML IIIA; Mucolipidosis III Alpha/Beta; MUCOLIPIDOSIS IIIA; ML III; ML III ALPHA/BETA; Type III Mucolipidosis. Identifiers: Orphanet 423461, Orphanet 577, MedGen C0033788, MONDO:0018931, OMIM 252600.

Allele frequency attached by ClinVar (database versions not stated): gnomAD below 0.00001 and 0.00001; TOPMed below 0.00001; ExAC 0.00003; gnomAD exomes 0.00002.

Submissions (3):

Fulgent Genetics
Classification: Uncertain significance for Mucolipidosis type II; Pseudo-Hurler polydystrophy. Last evaluated: 2022-03-28. Review status: criteria provided, single submitter. Criteria: ACMG Guidelines, 2015. Collection method: clinical testing. Allele origin: unknown.

Labcorp Genetics (formerly Invitae), Labcorp
Classification: Uncertain significance for Pseudo-Hurler polydystrophy; Mucolipidosis type II. Last evaluated: 2022-01-18. Review status: criteria provided, single submitter. Criteria: Invitae Variant Classification Sherloc (09022015). Collection method: clinical testing. Allele origin: germline.
Comment: This sequence change replaces glutamic acid, which is acidic and polar, with lysine, which is basic and polar, at codon 327 of the GNPTAB protein (p.Glu327Lys). This variant is present in population databases (rs779983477, gnomAD 0.006%). This variant has not been reported in the literature in individuals affected with GNPTAB-related conditions. ClinVar contains an entry for this variant (Variation ID: 991288). Algorithms developed to predict the effect of missense changes on protein structure and function are either unavailable or do not agree on the potential impact of this missense change (SIFT: "Deleterious"; PolyPhen-2: "Probably Damaging"; Align-GVGD: "Class C15"). In summary, the available evidence is currently insufficient to determine the role of this variant in disease. Therefore, it has been classified as a Variant of Uncertain Significance.

Natera, Inc.
Classification: Uncertain significance for Mucolipidosis type II. Last evaluated: 2020-04-17. Review status: no assertion criteria provided. Collection method: clinical testing. Allele origin: germline. Not counted in ClinVar's aggregate classification.

NM_024312.5(GNPTAB):c.979G>A (p.Glu327Lys)

Gene: GNPTAB (N-acetylglucosamine-1-phosphate transferase subunits alpha and beta; minus strand). Cytogenetic location: 12q23.2.
Variant type: single nucleotide variant.
Coding change: c.979G>A on transcript NM_024312.5 (MANE Select); coding-DNA position 979, G replaced by A.
Protein change: p.Glu327Lys; replaces glutamic acid 327 with lysine.
Molecular consequence: missense variant.
Genome position (GRCh38, 1-based): chr12:101,770,540, C>T on the plus strand (G>A on the coding strand, the complement: GNPTAB is on the minus strand). VCF-style: chr12-101770540-C-T. GRCh37 (hg19) VCF-style: chr12-102164318-C-T.
Other names: short protein forms E327K.
Identifiers: ClinVar variation 991288 (VCV000991288.4), dbSNP rs779983477, ClinGen allele CA6746742.